The following is an entry in ClinVar:

NM_000059.4(BRCA2):c.4715_4718delinsGCAAAGACCC (p.Ala1572_Cys1573delinsGlyLysAspPro)

Gene: BRCA2 (BRCA2 DNA repair associated; plus strand). Cytogenetic location: 13q13.1.
Variant type: Indel.
Coding change: c.4715_4718delinsGCAAAGACCC on transcript NM_000059.4 (MANE Select); coding-DNA positions 4715 to 4718, CCTG replaced by GCAAAGACCC.
Protein change: p.Ala1572_Cys1573delinsGlyLysAspPro.
Molecular consequence: inframe indel.
Genome position (GRCh38, 1-based): chr13:32,339,070-32,339,073, CCTG replaced by GCAAAGACCC. VCF-style: chr13-32339070-CCTG-GCAAAGACCC. GRCh37 (hg19) VCF-style: chr13-32913207-CCTG-GCAAAGACCC.
Other names: c.4715_4718delCCTGinsGCAAAGACCC (NM_000059.3).
Identifiers: ClinVar variation 441416 (VCV000441416.14), dbSNP rs1555283917, ClinGen allele CA658653667.

ClinVar aggregate classification (germline): Uncertain significance. Review status: criteria provided, multiple submitters, no conflicts (2 of 4 stars). 3 submissions from 3 submitters: Uncertain significance (3). Last evaluated 2024-08-05.

Conditions:
Hereditary breast ovarian cancer syndrome. Also called: Hereditary breast and ovarian cancer; Breast and ovarian cancer; Hereditary breast and ovarian cancer syndrome; Hereditary breast and/or ovarian cancer syndrome; BRCA1- and BRCA2-Associated Hereditary Breast and Ovarian Cancer; Hereditary breast and ovarian cancer syndrome (HBOC). Identifiers: Orphanet 145, MedGen C0677776, MeSH D061325, MONDO:0003582. Disease mechanism: loss of function.
Hereditary cancer-predisposing syndrome. Also called: Hereditary Cancer Syndrome; Hereditary neoplastic syndrome; Neoplastic Syndromes, Hereditary; Tumor predisposition. Identifiers: Orphanet 140162, MedGen C0027672, MeSH D009386, MONDO:0015356.

Submissions (3):

Labcorp Genetics (formerly Invitae), Labcorp
Classification: Uncertain significance for Hereditary breast ovarian cancer syndrome. Last evaluated: 2024-08-05. Review status: criteria provided, single submitter. Criteria: Invitae Variant Classification Sherloc (09022015). Collection method: clinical testing. Allele origin: germline.
Comment: This variant, c.4715_4718delinsGCAAAGACCC, is a complex sequence change that results in the deletion of 2 and insertion of 4 amino acid(s) in the BRCA2 protein (p.Ala1572_Cys1573delinsGlyLysAspPro). This variant is not present in population databases (gnomAD no frequency). This variant has not been reported in the literature in individuals affected with BRCA2-related conditions. Experimental studies and prediction algorithms are not available or were not evaluated, and the functional significance of this variant is currently unknown. In summary, the available evidence is currently insufficient to determine the role of this variant in disease. Therefore, it has been classified as a Variant of Uncertain Significance.

Ambry Genetics
Classification: Uncertain significance for Hereditary cancer-predisposing syndrome. Last evaluated: 2022-08-31. Review status: criteria provided, single submitter. Criteria: Ambry Variant Classification Scheme 2023. Collection method: clinical testing. Allele origin: germline.
Comment: The c.4715_4718delCCTGins10 variant (also known as p.A1572_C1573delinsGKDP), located in coding exon 10 of the BRCA2 gene, results from an in-frame deletion of CCTG and insertion of GCAAAGACCC at nucleotide positions 4715 to 4718. This results in the substitution of alanine and cysteine residues for glycine, lysine, aspartic acid, and proline residues at codons 1572 and 1573. This amino acid region is poorly conserved in available vertebrate species. Since supporting evidence is limited at this time, the clinical significance of this alteration remains unclear.

Color Diagnostics, LLC DBA Color Health
Classification: Uncertain significance for Hereditary cancer-predisposing syndrome. Last evaluated: 2019-09-03. Review status: criteria provided, single submitter. Criteria: ACMG Guidelines, 2015. Collection method: clinical testing. Allele origin: germline.
Comment: This variant causes an in-frame insertion of two amino acids and the substitution of additional two amino acids in exon 11 of the BRCA2 protein. Splice site prediction tools suggest that this variant may not impact RNA splicing. To our knowledge, functional studies have not been performed for this variant. This variant has not been reported in individuals affected with hereditary cancer in the literature. This variant has not been identified in the general population by the Genome Aggregation Database (gnomAD). The available evidence is insufficient to determine the role of this variant in disease conclusively. Therefore, this variant is classified as a Variant of Uncertain Significance.